The following is an entry in ClinVar:

ClinVar aggregate classification (germline): Conflicting classifications of pathogenicity. Review status: criteria provided, conflicting classifications (1 of 4 stars). 3 submissions from 3 submitters: Uncertain significance (2); Benign (1). Last evaluated 2024-01-01.

Conditions:
Amyotrophic lateral sclerosis (ALS). Also called: Charcot disease; Lou Gehrig disease. Identifiers: Orphanet 803, MedGen C0002736, MONDO:0004976, HP:0007354.

Allele frequency attached by ClinVar (database versions not stated): 1000 Genomes Project 0.00619; 1000 Genomes Project 30x 0.00625; TOPMed 0.01228; gnomAD 0.01266 and 0.01271; gnomAD exomes 0.01281 and 0.01800; ExAC 0.01382; ESP Exome Variant Server 0.01464.
gnomAD v4.1: 27,547 of 1,582,258 alleles (1.7%); highest among the groups gnomAD compares: Non-Finnish European, 2.1%; 303 homozygotes.

Submissions (3):

CeGaT Center for Human Genetics Tuebingen
Classification: Benign. Last evaluated: 2024-01-01. Review status: criteria provided, single submitter. Criteria: CeGaT Center For Human Genetics Tuebingen Variant Classification Criteria Version 2. Collection method: clinical testing. Allele origin: germline. Affected: yes. Observed: 1 variant allele.
Comment: SCFD1: BS1, BS2

UM ALS/MND Lab, University Of Malta
Classification: Uncertain significance for Amyotrophic lateral sclerosis. Last evaluated: 2020-09-09. Review status: criteria provided, single submitter. Criteria: ACMG Guidelines, 2015. Collection method: case-control. Allele origin: unknown. Affected: yes. Observed: 2 variant alleles.
Comment: Single heterozygote

Breakthrough Genomics
Classification: Uncertain significance. Review status: criteria provided, single submitter. Criteria: ACMG Guidelines, 2015. Collection method: not provided. Allele origin: germline. Inheritance: Unknown mechanism. Affected: yes.

NM_016106.4(SCFD1):c.1297A>G (p.Thr433Ala)

Gene: SCFD1 (sec1 family domain containing 1; plus strand). Cytogenetic location: 14q12.
Variant type: single nucleotide variant.
Coding change: c.1297A>G on transcript NM_016106.4 (MANE Select); coding-DNA position 1297, A replaced by G.
Protein change: p.Thr433Ala; replaces threonine 433 with alanine.
Molecular consequence: missense variant.
Genome position (GRCh38, 1-based): chr14:30,694,827, A>G. VCF-style: chr14-30694827-A-G. GRCh37 (hg19) VCF-style: chr14-31164033-A-G.
Other names: c.1021A>G, p.Thr341Ala (NM_001257376.1); c.742A>G, p.Thr248Ala (NM_001283031.1, NM_001283033.1); c.1120A>G, p.Thr374Ala (NM_001283032.1); c.1096A>G, p.Thr366Ala (NM_182835.2); short protein forms T248A, T341A, T366A, T374A, T433A.
Identifiers: ClinVar variation 981027 (VCV000981027.26), dbSNP rs61754285, ClinGen allele CA7142600.
Genomic context (GRCh38, chr14:30,694,827, plus strand): 5'-AAACAGGCAAGAAAATTGGATGTATATTTTGAATATGAAGAAAAAATAATGAGCAAAACT[A>G]CTCTGGATAAATCTCTTCTAGATATAATATCAGACCCTGATGGTATGTACCAAAAATTTG-3'
Protein context (NP_057190.2, residues 423-443): EYEEKIMSKT[Thr433Ala]LDKSLLDIIS